The following is an entry in ClinVar:

NM_032638.5(GATA2):c.677G>A (p.Gly226Asp)

Gene: GATA2 (GATA binding protein 2; minus strand). Cytogenetic location: 3q21.3.
Variant type: single nucleotide variant.
Coding change: c.677G>A on transcript NM_032638.5 (MANE Select); coding-DNA position 677, G replaced by A.
Protein change: p.Gly226Asp; replaces glycine 226 with aspartic acid.
Molecular consequence: missense variant.
Genome position (GRCh38, 1-based): chr3:128,485,921, C>T on the plus strand (G>A on the coding strand, the complement: GATA2 is on the minus strand). VCF-style: chr3-128485921-C-T. GRCh37 (hg19) VCF-style: chr3-128204764-C-T.
Other names: c.677G>A, p.Gly226Asp (NM_001145661.2, NM_001145662.1); short protein forms G226D.
Identifiers: ClinVar variation 1061824 (VCV001061824.9), dbSNP rs2107672176, ClinGen allele CA354406266.
Genomic context (GRCh38, chr3:128,485,921, plus strand): 5'-ATGGGGTGGTGTGTAGCAGGCTGGGTGCCCATAGTAGCTAGGCCTGGGCGCAGGGGACTG[C>T]CACTTTCCATCTTCATGCTCTCCGTCAGTGACACCTGGTACTTGACGCCGTCCTTGTCCT-3'
Protein context (NP_116027.2, residues 216-236): SLTESMKMES[Gly226Asp]SPLRPGLATM

ClinVar aggregate classification (germline): Uncertain significance (1 of 4 stars; one submission).

Conditions:
Deafness-lymphedema-leukemia syndrome. Also called: Emberger syndrome; Lymphedema, primary, with myelodysplasia. Identifiers: Orphanet 3226, MedGen C3279664, MONDO:0013540, OMIM 614038.
Monocytopenia with susceptibility to infections. Also called: MONOCYTOPENIA AND MYCOBACTERIAL INFECTION SYNDROME; MONOCYTOPENIA WITH SUSCEPTIBILITY TO MYCOBACTERIAL, FUNGAL, AND PAPILLOMAVIRUS INFECTIONS AND MYELODYSPLASIA; COMBINED IMMUNODEFICIENCY WITH SUSCEPTIBILITY TO MYCOBACTERIAL, VIRAL, AND FUNGAL INFECTIONS; Dendritic cell, monocyte, B lymphocyte, and natural killer lymphocyte deficiency; IMMUNODEFICIENCY 21; GATA2 DEFICIENCY. Identifiers: Orphanet 228423, MedGen C3280030, MONDO:0013607, OMIM 614172.

Submission:

Labcorp Genetics (formerly Invitae), Labcorp
Classification: Uncertain significance for Monocytopenia with susceptibility to infections; Deafness-lymphedema-leukemia syndrome. Last evaluated: 2024-01-09. Review status: criteria provided, single submitter. Criteria: Invitae Variant Classification Sherloc (09022015). Collection method: clinical testing. Allele origin: germline.
Comment: This sequence change replaces glycine, which is neutral and non-polar, with aspartic acid, which is acidic and polar, at codon 226 of the GATA2 protein (p.Gly226Asp). This variant is not present in population databases (gnomAD no frequency). This variant has not been reported in the literature in individuals affected with GATA2-related conditions. ClinVar contains an entry for this variant (Variation ID: 1061824). Advanced modeling of protein sequence and biophysical properties (such as structural, functional, and spatial information, amino acid conservation, physicochemical variation, residue mobility, and thermodynamic stability) performed at Invitae indicates that this missense variant is not expected to disrupt GATA2 protein function with a negative predictive value of 95%. In summary, the available evidence is currently insufficient to determine the role of this variant in disease. Therefore, it has been classified as a Variant of Uncertain Significance.